The following is an entry in ClinVar:

NM_000124.4(ERCC6):c.2297G>T (p.Cys766Phe)

Gene: ERCC6 (ERCC excision repair 6, chromatin remodeling factor; minus strand). Cytogenetic location: 10q11.23.
Variant type: single nucleotide variant.
Coding change: c.2297G>T on transcript NM_000124.4 (MANE Select); coding-DNA position 2297, G replaced by T.
Protein change: p.Cys766Phe; replaces cysteine 766 with phenylalanine.
Molecular consequence: missense variant.
Genome position (GRCh38, 1-based): chr10:49,476,300, C>A on the plus strand (G>T on the coding strand, the complement: ERCC6 is on the minus strand). VCF-style: chr10-49476300-C-A. GRCh37 (hg19) VCF-style: chr10-50684346-C-A.
Other names: c.2297G>T, p.Cys766Phe (NM_001346440.2); short protein forms C766F.
Identifiers: ClinVar variation 235562 (VCV000235562.3), dbSNP rs878853067, ClinGen allele CA10581357.

ClinVar aggregate classification (germline): Uncertain significance (1 of 4 stars; one submission).

Submission:

Center for Pediatric Genomic Medicine, Children's Mercy Hospital and Clinics
Classification: Uncertain significance. Last evaluated: 2016-01-29. Review status: criteria provided, single submitter. Criteria: ACMG Guidelines, 2015. Collection method: clinical testing. Allele origin: germline.
ClinVar note: Converted during submission from Uncertain Significance to Uncertain significance.